The following is an entry in ClinVar:

ClinVar aggregate classification (germline): Uncertain significance (1 of 4 stars; one submission).

Conditions:
Familial sleep-related hypermotor epilepsy. Also called: Autosomal Dominant Sleep-Related Hypermotor (Hyperkinetic) Epilepsy. Identifiers: Orphanet 98784, MedGen C3696898, MONDO:0000030.

Submission:

Labcorp Genetics (formerly Invitae), Labcorp
Classification: Uncertain significance. Last evaluated: 2022-07-05. Review status: criteria provided, single submitter. Criteria: Invitae Variant Classification Sherloc (09022015). Collection method: clinical testing. Allele origin: germline.
Comment: ClinVar contains an entry for this variant (Variation ID: 1516967). In summary, the available evidence is currently insufficient to determine the role of this variant in disease. Therefore, it has been classified as a Variant of Uncertain Significance. This premature translational stop signal has been observed in at least one individual who was not affected with CHRNA2-related conditions (Invitae). This variant has not been reported in the literature in individuals affected with CHRNA2-related conditions. This variant is not present in population databases (gnomAD no frequency). This sequence change creates a premature translational stop signal (p.Val255Serfs*82) in the CHRNA2 gene. It is expected to result in an absent or disrupted protein product. However, the current clinical and genetic evidence is not sufficient to establish whether loss-of-function variants in CHRNA2 cause disease.

NM_000742.4(CHRNA2):c.763del (p.Val255fs)

Gene: CHRNA2 (cholinergic receptor nicotinic alpha 2 subunit; minus strand). Cytogenetic location: 8p21.2.
Variant type: Deletion.
Coding change: c.763del on transcript NM_000742.4 (MANE Select); coding-DNA position 763, one base deleted (G; older notation c.763delG).
Protein change: p.Val255fs; shifts the reading frame from valine 255.
Molecular consequence: frameshift variant.
Genome position (GRCh38, 1-based): chr8:27,463,680, C deleted on the plus strand (G on the coding strand, the reverse complement: CHRNA2 is on the minus strand). VCF-style (leftmost placement, unchanged base first): chr8-27463679-AC-A. GRCh37 (hg19) VCF-style: chr8-27321196-AC-A.
Other names: c.718del, p.Val240fs (NM_001282455.2); c.286del, p.Val96fs (NM_001347705.2, NM_001347706.2); c.169del, p.Val57fs (NM_001347707.2, NM_001347708.2); short protein forms V240fs, V57fs, V96fs, V255fs.
Identifiers: ClinVar variation 1516967 (VCV001516967.6), dbSNP rs2132653296, ClinGen allele CA2573142640.
Genomic context (GRCh38, chr8:27,463,679, plus strand): 5'-GGGATGATGAGGTTGATGGTGTAGAAGAGCGGCAGCCGCCGGATGACGAAGGCGTAGGTG[AC>A]GTCGGGGTAGATCTCGGCGCAGCAGTCGTACTTCTTGCTGTTGTAGGTGCCCGTGGCATT-3'